The following is an entry in ClinVar:

ClinVar aggregate classification (germline): Pathogenic. Review status: reviewed by expert panel (3 of 4 stars). 11 submissions from 11 submitters: Pathogenic (1). 10 of the submissions do not count toward it. Last evaluated 2016-09-08.

Conditions:
Breast-ovarian cancer, familial, susceptibility to, 1 (BROVCA1). Also called: BRCA1 Hereditary Breast and Ovarian Cancer; OVARIAN CANCER, SUSCEPTIBILITY TO. Identifiers: Orphanet 145, MedGen C2676676, MONDO:0011450, OMIM 604370. Disease mechanism: loss of function.
Familial cancer of breast. Also called: hereditary breast carcinoma; BREAST CANCER, FAMILIAL; Hereditary breast cancer. Identifiers: Orphanet 227535, MedGen C0346153, MONDO:0016419, OMIM 114480. Disease mechanism: loss of function.
Fanconi anemia, complementation group S (FANCS). Identifiers: MedGen C4554406, MONDO:0054748, OMIM 617883.
Pancreatic cancer, susceptibility to, 4. Identifiers: Orphanet 1333, MedGen C3280442, MONDO:0013685, OMIM 614320.
Hereditary breast ovarian cancer syndrome. Also called: BRCA1- and BRCA2-Associated Hereditary Breast and Ovarian Cancer; Hereditary breast and ovarian cancer syndrome; Hereditary breast and ovarian cancer syndrome (HBOC); Breast and ovarian cancer; Hereditary breast and/or ovarian cancer syndrome; Hereditary breast and ovarian cancer. Identifiers: Orphanet 145, MedGen C0677776, MeSH D061325, MONDO:0003582. Disease mechanism: loss of function.
Hereditary cancer-predisposing syndrome. Also called: Hereditary Cancer Syndrome; Hereditary neoplastic syndrome; Neoplastic Syndromes, Hereditary; Tumor predisposition. Identifiers: Orphanet 140162, MedGen C0027672, MeSH D009386, MONDO:0015356.

Submissions (11):

Evidence-based Network for the Interpretation of Germline Mutant Alleles (ENIGMA)
Classification: Pathogenic for Breast-ovarian cancer, familial, susceptibility to, 1. Last evaluated: 2016-09-08. Review status: reviewed by expert panel. Criteria: ENIGMA BRCA1/2 Classification Criteria (2015). Collection method: curation. Allele origin: germline.
Comment: Variant allele predicted to encode a truncated non-functional protein.

Labcorp Genetics (formerly Invitae), Labcorp
Classification: Pathogenic for Hereditary breast ovarian cancer syndrome. Last evaluated: 2026-01-05. Review status: criteria provided, single submitter. Criteria: Invitae Variant Classification Sherloc (09022015). Collection method: clinical testing. Allele origin: germline. Not counted in ClinVar's aggregate classification.
Comment: This sequence change creates a premature translational stop signal (p.Ser1298*) in the BRCA1 gene. It is expected to result in an absent or disrupted protein product. Loss-of-function variants in BRCA1 are known to be pathogenic (PMID: 20104584). This variant is not present in population databases (gnomAD no frequency). This premature translational stop signal has been observed in individual(s) with personal or family history of breast and/or ovarian cancer (PMID: 11802209, 26541979, 28294317). This variant is also known as c.4012C>A. ClinVar contains an entry for this variant (Variation ID: 55039). For these reasons, this variant has been classified as Pathogenic.

Ambry Genetics
Classification: Pathogenic for Hereditary cancer-predisposing syndrome. Last evaluated: 2025-07-29. Review status: criteria provided, single submitter. Criteria: Ambry Variant Classification Scheme 2023. Collection method: clinical testing. Allele origin: germline. Not counted in ClinVar's aggregate classification.
Comment: The p.S1298* pathogenic mutation (also known as c.3893C>A), located in coding exon 9 of the BRCA1 gene, results from a C to A substitution at nucleotide position 3893. This changes the amino acid from a serine to a stop codon within coding exon 9. This variant is considered to be rare based on population cohorts in the Genome Aggregation Database (gnomAD). In addition to the clinical information presented in the literature, this alteration is expected to result in loss of function by premature protein truncation or nonsense-mediated mRNA decay. As such, this alteration is interpreted as a disease-causing mutation.

GeneDx
Classification: Pathogenic. Last evaluated: 2024-06-24. Review status: criteria provided, single submitter. Criteria: GeneDx Variant Classification Process June 2021. Collection method: clinical testing. Allele origin: germline. Affected: yes. Not counted in ClinVar's aggregate classification.
Comment: Nonsense variant predicted to result in protein truncation or nonsense mediated decay in a gene for which loss of function is a known mechanism of disease; Observed in individuals with a personal or family history consistent with pathogenic variants in this gene (PMID: 26541979, 29439820, 11802209); Truncating variants in this gene are considered pathogenic by a well-established clinical consortium and/or database; Not observed at significant frequency in large population cohorts (gnomAD); Also known as 4012C>A; This variant is associated with the following publications: (PMID: 25525159, 11802209, 29446198, 16267036, 26541979, 29439820, 28294317, 26187060, 30702160)

Baylor Genetics
Classification: Pathogenic for Breast-ovarian cancer, familial, susceptibility to, 1. Last evaluated: 2022-10-21. Review status: criteria provided, single submitter. Criteria: ACMG Guidelines, 2015. Collection method: clinical testing. Allele origin: unknown. Not counted in ClinVar's aggregate classification.

Women's Health and Genetics/Laboratory Corporation of America, LabCorp
Classification: Pathogenic for Hereditary breast ovarian cancer syndrome. Last evaluated: 2022-01-17. Review status: criteria provided, single submitter. Criteria: LabCorp Variant Classification Summary - May 2015. Collection method: clinical testing. Allele origin: germline. Not counted in ClinVar's aggregate classification.
Comment: Variant summary: BRCA1 c.3893C>A (p.Ser1298X) results in a premature termination codon, predicted to cause a truncation of the encoded protein or absence of the protein due to nonsense mediated decay, which are commonly known mechanisms for disease. Truncations downstream of this position have been classified as pathogenic by our laboratory. The variant was absent in 282572 control chromosomes (gnomAD). c.3893C>A has been reported in the literature in multiple individuals affected with Hereditary Breast And Ovarian Cancer Syndrome (example: Judkins_2005, Meindl_2002, Hasmad_2016, BIC database). These data indicate that the variant is very likely to be associated with disease. To our knowledge, no experimental evidence demonstrating an impact on protein function has been reported. Seven ClinVar submitters, including one expert panel and one consortium, have assessed this variant since 2014: all submitters classified the variant as pathogenic. Based on the evidence outlined above, the variant was classified as pathogenic.

Color Diagnostics, LLC DBA Color Health
Classification: Pathogenic for Hereditary cancer-predisposing syndrome. Last evaluated: 2020-01-15. Review status: criteria provided, single submitter. Criteria: ACMG Guidelines, 2015. Collection method: clinical testing. Allele origin: germline. Not counted in ClinVar's aggregate classification.
Comment: This variant changes 1 nucleotide in exon 10 of the BRCA1 gene, creating a premature translation stop signal. This variant is expected to result in an absent or non-functional protein product. This variant has not been identified in the general population by the Genome Aggregation Database (gnomAD). Loss of BRCA1 function is a known mechanism of disease. Based on the available evidence, this variant is classified as Pathogenic.

Fulgent Genetics
Classification: Pathogenic for Familial cancer of breast; Breast-ovarian cancer, familial, susceptibility to, 1; Pancreatic cancer, susceptibility to, 4; Fanconi anemia, complementation group S. Last evaluated: 2018-10-31. Review status: criteria provided, single submitter. Criteria: ACMG Guidelines, 2015. Collection method: clinical testing. Allele origin: unknown. Not counted in ClinVar's aggregate classification.

Consortium of Investigators of Modifiers of BRCA1/2 (CIMBA), c/o University of Cambridge
Classification: Pathogenic for Breast-ovarian cancer, familial, susceptibility to, 1. Last evaluated: 2015-10-02. Review status: criteria provided, single submitter. Criteria: CIMBA Mutation Classification guidelines May 2016. Collection method: clinical testing. Allele origin: germline. Not counted in ClinVar's aggregate classification.

Sharing Clinical Reports Project (SCRP)
Classification: Pathogenic for Breast-ovarian cancer, familial 1. Last evaluated: 2012-06-13. Review status: no assertion criteria provided. Collection method: clinical testing. Allele origin: germline. Not counted in ClinVar's aggregate classification.

Breast Cancer Information Core (BIC) (BRCA1)
Classification: Pathogenic for Breast-ovarian cancer, familial 1. Last evaluated: 2002-05-29. Review status: no assertion criteria provided. Collection method: clinical testing. Allele origin: germline. Affected: yes. Observed: 6 variant alleles. Not counted in ClinVar's aggregate classification.

Literature cited by the submitters: PubMed 20104584 (cited by Labcorp Genetics (formerly Invitae), Labcorp); PubMed 11802209 (cited by 3 submitters); PubMed 26541979 (cited by 3 submitters); PubMed 28294317 (cited by Labcorp Genetics (formerly Invitae), Labcorp and Ambry Genetics); PubMed 16267036 (cited by Women's Health and Genetics/Laboratory Corporation of America, LabCorp).

NM_007294.4(BRCA1):c.3893C>A (p.Ser1298Ter)

Genes: BRCA1 (BRCA1 DNA repair associated; minus strand), LOC126862571 (BRD4-independent group 4 enhancer GRCh37_chr17:41243136-41244335; plus strand). Cytogenetic location: 17q21.31.
Variant type: single nucleotide variant.
Coding change: c.3893C>A on transcript NM_007294.4 (MANE Select); coding-DNA position 3893, C replaced by A.
Protein change: p.Ser1298Ter; replaces serine 1298 with a stop codon.
Molecular consequence: nonsense. On other transcripts: intron variant (135).
Genome position (GRCh38, 1-based): chr17:43,091,638, G>T on the plus strand (C>A on the coding strand, the complement: BRCA1 is on the minus strand). VCF-style: chr17-43091638-G-T. GRCh37 (hg19) VCF-style: chr17-41243655-G-T.
Other names: p.S1298*:TCA>TAA; 4012C>A; c.3680C>A, p.Ser1227Ter (NM_001407571.1, NM_001407853.1, NM_001407894.1 and 9 more transcripts); c.3893C>A, p.Ser1298Ter (NM_001407581.1, NM_001407582.1, NM_001407583.1 and 30 more transcripts); c.3890C>A, p.Ser1297Ter (NM_001407587.1, NM_001407610.1, NM_001407611.1 and 22 more transcripts); c.3884C>A, p.Ser1295Ter (NM_001407646.1, NM_001407647.1); c.3770C>A, p.Ser1257Ter (NM_001407648.1, NM_001407664.1, NM_001407665.1 and 19 more transcripts); c.3767C>A, p.Ser1256Ter (NM_001407649.1, NM_001407670.1, NM_001407671.1 and 11 more transcripts); and 43 more; short protein forms S1298*, S1251*, S1171*, S1187*, S1250*, S1271*, S1272*, S430*.
Identifiers: ClinVar variation 55039 (VCV000055039.25), dbSNP rs80357440, ClinGen allele CA002504.